The following is an entry in ClinVar:

NM_198252.3(GSN):c.1699G>A (p.Ala567Thr)

Gene: GSN (gelsolin; plus strand). Cytogenetic location: 9q33.2.
Variant type: single nucleotide variant.
Coding change: c.1699G>A on transcript NM_198252.3 (MANE Select); coding-DNA position 1699, G replaced by A.
Protein change: p.Ala567Thr; replaces alanine 567 with threonine.
Molecular consequence: missense variant.
Genome position (GRCh38, 1-based): chr9:121,327,419, G>A. VCF-style: chr9-121327419-G-A. GRCh37 (hg19) VCF-style: chr9-124089697-G-A.
Other names: c.1852G>A, p.Ala618Thr (NM_000177.5); c.1699G>A, p.Ala567Thr (NM_001127662.2, NM_001127664.2, NM_001127665.2 and 10 more transcripts); c.1807G>A, p.Ala603Thr (NM_001127663.2); c.1732G>A, p.Ala578Thr (NM_001127666.2, NM_001127667.2, NM_001353073.2 and 13 more transcripts); c.1750G>A, p.Ala584Thr (NM_001258029.2); c.1723G>A, p.Ala575Thr (NM_001258030.2); c.1771G>A, p.Ala591Thr (NM_001353076.2); c.1045G>A, p.Ala349Thr (NM_001353078.2); short protein forms A567T, A578T, A591T, A618T, A349T, A575T, A603T, A584T.
Identifiers: ClinVar variation 2783936 (VCV002783936.3), dbSNP rs535229743, ClinGen allele CA199414716.

ClinVar aggregate classification (germline): Uncertain significance (1 of 4 stars; one submission).

Allele frequency attached by ClinVar (database versions not stated): gnomAD exomes below 0.00001.
gnomAD v4.1: 1 of 1,610,194 alleles (0.000062%); highest among the groups gnomAD compares: Non-Finnish European, 0.000085%; no homozygotes.

Submission:

Labcorp Genetics (formerly Invitae), Labcorp
Classification: Uncertain significance. Last evaluated: 2023-03-09. Review status: criteria provided, single submitter. Criteria: Invitae Variant Classification Sherloc (09022015). Collection method: clinical testing. Allele origin: germline.
Comment: Advanced modeling of protein sequence and biophysical properties (such as structural, functional, and spatial information, amino acid conservation, physicochemical variation, residue mobility, and thermodynamic stability) has been performed at Invitae for this missense variant, however the output from this modeling did not meet the statistical confidence thresholds required to predict the impact of this variant on GSN protein function. This variant has not been reported in the literature in individuals affected with GSN-related conditions. This variant is not present in population databases (gnomAD no frequency). This sequence change replaces alanine, which is neutral and non-polar, with threonine, which is neutral and polar, at codon 618 of the GSN protein (p.Ala618Thr). In summary, the available evidence is currently insufficient to determine the role of this variant in disease. Therefore, it has been classified as a Variant of Uncertain Significance.